The following is an entry in ClinVar:

ClinVar aggregate classification (germline): Likely benign (1 of 4 stars; one submission).

Submission:

CeGaT Center for Human Genetics Tuebingen
Classification: Likely benign. Last evaluated: 2024-10-01. Review status: criteria provided, single submitter. Criteria: CeGaT Center For Human Genetics Tuebingen Variant Classification Criteria Version 2. Collection method: clinical testing. Allele origin: germline. Affected: yes. Observed: 1 variant allele.
Comment: WDR62: PM2:Supporting, BP4, BP7

NM_001083961.2(WDR62):c.3075T>C (p.His1025=)

Gene: WDR62 (WD repeat domain 62; plus strand). Cytogenetic location: 19q13.12.
Variant type: single nucleotide variant.
Coding change: c.3075T>C on transcript NM_001083961.2 (MANE Select); coding-DNA position 3075, T replaced by C.
Protein change: p.His1025=; no amino-acid change (histidine 1025 retained).
Molecular consequence: synonymous variant. On other transcripts: intron variant (1).
Genome position (GRCh38, 1-based): chr19:36,101,767, T>C. VCF-style: chr19-36101767-T-C. GRCh37 (hg19) VCF-style: chr19-36592669-T-C.
Other names: c.3060T>C, p.His1020= (NM_001411145.1); c.2724T>C, p.His908= (NM_001411147.1); c.3075T>C, p.His1025= (NM_173636.5); c.2971+450T>C (NM_001411146.1).
Identifiers: ClinVar variation 3388241 (VCV003388241.14).
Genomic context (GRCh38, chr19:36,101,767, plus strand): 5'-CATCCACTCCCCAGCTCCGCCTCCTGACCCTGCCCCTCGGTTTGCCACGTCGCTGCCCCA[T>C]TTCCCAGGTAAGCAGGGGCCAGACACGCAGGGGACTCGCTGCTCGGGCCTGGCTTAGGGC-3'
Protein context (NP_001077430.1, residues 1015-1035): PAPRFATSLP[His1025=]FPGCAGPTED